The following is an entry in ClinVar:

NM_006080.3(SEMA3A):c.1141-3T>C

Gene: SEMA3A (semaphorin 3A; minus strand). Cytogenetic location: 7q21.11.
Variant type: single nucleotide variant.
Coding change: c.1141-3T>C on transcript NM_006080.3 (MANE Select); 3 bases into the intron before coding-DNA position 1141, T replaced by C.
Molecular consequence: intron variant.
Genome position (GRCh38, 1-based): chr7:84,005,561, A>G on the plus strand (T>C on the coding strand, the complement: SEMA3A is on the minus strand). VCF-style: chr7-84005561-A-G. GRCh37 (hg19) VCF-style: chr7-83634877-A-G.
Identifiers: ClinVar variation 3350534 (VCV003350534.1).
Genomic context (GRCh38, chr7:84,005,561, plus strand): 5'-TAACATCATCAGGAAGGTCCTTTGTAGAGTCAAAACCACCAAATGTTTTGCTGGGACACT[A>G]TTAAGATAAAGAGAAAATTATCTTTTGATTAAAATCTAATAAACATAATTATAAATTATA-3'

ClinVar aggregate classification (germline): Likely benign (0 of 4 stars; one submission).

Conditions:
SEMA3A-related disorder. Also called: SEMA3A-related condition.

gnomAD v4.1: 21 of 1,582,596 alleles (0.0013%); highest among the groups gnomAD compares: Non-Finnish European, 0.00052%; no homozygotes.

Submission:

PreventionGenetics, part of Exact Sciences
Classification: Likely benign for SEMA3A-related condition. Last evaluated: 2024-08-27. Review status: no assertion criteria provided. Collection method: clinical testing. Allele origin: germline.
Comment: This variant is classified as likely benign based on ACMG/AMP sequence variant interpretation guidelines (Richards et al. 2015 PMID: 25741868, with internal and published modifications).